The following is an entry in ClinVar:

ClinVar aggregate classification (germline): Pathogenic (1 of 4 stars; one submission).

Conditions:
Joubert syndrome. Also called: CEREBELLOPARENCHYMAL DISORDER IV; JOUBERT-BOLTSHAUSER SYNDROME; Familial aplasia of the vermis. Identifiers: Orphanet 475, MedGen C5979921, MONDO:0018772.
Meckel-Gruber syndrome. Also called: DYSENCEPHALIA SPLANCHNOCYSTICA; GRUBER SYNDROME; Dysencephalia splachnocystica. Identifiers: Orphanet 564, MedGen C0265215, MONDO:0018921.

Submission:

Labcorp Genetics (formerly Invitae), Labcorp
Classification: Pathogenic for Joubert syndrome; Meckel-Gruber syndrome. Last evaluated: 2023-11-14. Review status: criteria provided, single submitter. Criteria: Invitae Variant Classification Sherloc (09022015). Collection method: clinical testing. Allele origin: germline.
Comment: This sequence change creates a premature translational stop signal (p.Lys564Asnfs*2) in the RPGRIP1L gene. It is expected to result in an absent or disrupted protein product. Loss-of-function variants in RPGRIP1L are known to be pathogenic (PMID: 17558409). This variant is not present in population databases (gnomAD no frequency). This variant has not been reported in the literature in individuals affected with RPGRIP1L-related conditions. For these reasons, this variant has been classified as Pathogenic.

Literature cited by the submitters: PubMed 17558409.

NM_015272.5(RPGRIP1L):c.1692del (p.Lys564fs)

Gene: RPGRIP1L (RPGRIP1 like; minus strand). Cytogenetic location: 16q12.2.
Variant type: Deletion.
Coding change: c.1692del on transcript NM_015272.5 (MANE Select); coding-DNA position 1692, one base deleted (A; older notation c.1692delA).
Protein change: p.Lys564fs; shifts the reading frame from lysine 564.
Molecular consequence: frameshift variant.
Genome position (GRCh38, 1-based): chr16:53,656,479, T deleted on the plus strand (A on the coding strand, the reverse complement: RPGRIP1L is on the minus strand); the first of 3 consecutive T bases (chr16:53,656,479-53,656,481); deleting any one gives the same sequence. VCF-style (leftmost placement, unchanged base first): chr16-53656478-GT-G. GRCh37 (hg19) VCF-style: chr16-53690390-GT-G.
Other names: c.1692del, p.Lys564fs (NM_001127897.4, NM_001308334.3, NM_001330538.2); short protein forms K564fs.
Identifiers: ClinVar variation 2953879 (VCV002953879.3), dbSNP rs2544263394, ClinGen allele CA2740093352.